The following is an entry in ClinVar:

NM_002291.3(LAMB1):c.1769G>A (p.Arg590Gln)

Gene: LAMB1 (laminin subunit beta 1; minus strand). Cytogenetic location: 7q31.1.
Variant type: single nucleotide variant.
Coding change: c.1769G>A on transcript NM_002291.3 (MANE Select); coding-DNA position 1769, G replaced by A.
Protein change: p.Arg590Gln; replaces arginine 590 with glutamine.
Molecular consequence: missense variant.
Genome position (GRCh38, 1-based): chr7:107,962,993, C>T on the plus strand (G>A on the coding strand, the complement: LAMB1 is on the minus strand). VCF-style: chr7-107962993-C-T. GRCh37 (hg19) VCF-style: chr7-107603438-C-T.
Other names: c.1769G>A (NM_002291.2); short protein forms R590Q.
Identifiers: ClinVar variation 1360423 (VCV001360423.8), dbSNP rs756288014, ClinGen allele CA4435888.
Genomic context (GRCh38, chr7:107,962,993, plus strand): 5'-TACTCCATGGAATATGGTATGTTGTCAATGAAAAACTCCAAATAAGCCCCTTCAGGCACT[C>T]GGACGAAGCCGGCTCCAGTCCAGGAGGGAATCCGGTCCTGGATATATTGCCGCTCCACTA-3'
Protein context (NP_002282.2, residues 580-600): IPSWTGAGFV[Arg590Gln]VPEGAYLEFF

ClinVar aggregate classification (germline): Uncertain significance. Review status: criteria provided, multiple submitters, no conflicts (2 of 4 stars). 4 submissions from 4 submitters: Uncertain significance (4). Last evaluated 2025-10-15.

Conditions:
Inborn genetic diseases. Identifiers: MedGen C0950123, MeSH D030342.

Allele frequency attached by ClinVar (database versions not stated): gnomAD 0.00004 and 0.00005; ExAC 0.00008; TOPMed 0.00008; gnomAD exomes 0.00012.
gnomAD v4.1: 59 of 1,613,982 alleles (0.0037%); highest among the groups gnomAD compares: Admixed American, 0.057%; no homozygotes.

Submissions (4):

Women's Health and Genetics/Laboratory Corporation of America, LabCorp
Classification: Uncertain significance. Last evaluated: 2025-10-15. Review status: criteria provided, single submitter. Criteria: LabCorp Variant Classification Summary - May 2015. Collection method: clinical testing. Allele origin: germline.
Comment: Variant summary: LAMB1 c.1769G>A (p.Arg590Gln) results in a conservative amino acid change in the encoded protein sequence. Algorithms developed to predict the effect of missense changes on protein structure and function are either unavailable or do not agree on the potential impact of this missense change. The variant allele was found at a frequency of 0.00012 in 251422 control chromosomes, predominantly at a frequency of 0.00081 within the Latino subpopulation in the gnomAD database. This frequency is not significantly higher than estimated for disease-causing variants in LAMB1, allowing no conclusion about variant significance. To our knowledge, no occurrence of c.1769G>A in individuals affected with LAMB1-related conditions and no experimental evidence demonstrating its impact on protein function have been reported. ClinVar contains an entry for this variant (Variation ID: 1360423). Based on the evidence outlined above, the variant was classified as uncertain significance.

Labcorp Genetics (formerly Invitae), Labcorp
Classification: Uncertain significance. Last evaluated: 2023-11-27. Review status: criteria provided, single submitter. Criteria: Invitae Variant Classification Sherloc (09022015). Collection method: clinical testing. Allele origin: germline.
Comment: This sequence change replaces arginine, which is basic and polar, with glutamine, which is neutral and polar, at codon 590 of the LAMB1 protein (p.Arg590Gln). This variant is present in population databases (rs756288014, gnomAD 0.08%). This variant has not been reported in the literature in individuals affected with LAMB1-related conditions. ClinVar contains an entry for this variant (Variation ID: 1360423). Algorithms developed to predict the effect of missense changes on protein structure and function output the following: SIFT: "Not Available"; PolyPhen-2: "Benign"; Align-GVGD: "Not Available". The glutamine amino acid residue is found in multiple mammalian species, which suggests that this missense change does not adversely affect protein function. In summary, the available evidence is currently insufficient to determine the role of this variant in disease. Therefore, it has been classified as a Variant of Uncertain Significance.

GeneDx
Classification: Uncertain significance. Last evaluated: 2023-05-30. Review status: criteria provided, single submitter. Criteria: GeneDx Variant Classification Process June 2021. Collection method: clinical testing. Allele origin: germline. Affected: yes.
Comment: In silico analysis supports that this missense variant does not alter protein structure/function; Has not been previously published as pathogenic or benign to our knowledge; This variant is associated with the following publications: (PMID: 23472759)

Ambry Genetics
Classification: Uncertain significance for Inborn genetic diseases. Last evaluated: 2021-11-15. Review status: criteria provided, single submitter. Criteria: Ambry Variant Classification Scheme 2023. Collection method: clinical testing. Allele origin: germline.